The following is an entry in ClinVar:

NM_032638.5(GATA2):c.-5C>G

Gene: GATA2 (GATA binding protein 2; minus strand). Cytogenetic location: 3q21.3.
Variant type: single nucleotide variant.
Coding change: c.-5C>G on transcript NM_032638.5 (MANE Select); 5 bases upstream of the start codon, C replaced by G.
Molecular consequence: 5 prime UTR variant.
Genome position (GRCh38, 1-based): chr3:128,487,036, G>C on the plus strand (C>G on the coding strand, the complement: GATA2 is on the minus strand). VCF-style: chr3-128487036-G-C. GRCh37 (hg19) VCF-style: chr3-128205879-G-C.
Other names: c.-5C>G (NM_001145661.2, NM_001145662.1).
Identifiers: ClinVar variation 257560 (VCV000257560.16), dbSNP rs374415484, ClinGen allele CA2600132.
Genomic context (GRCh38, chr3:128,487,036, plus strand): 5'-GCATTCAGCACGGCCGGGTGCGCCATCCAGCGCGGCTGCTCGGGCGCCACCTCCATGGCC[G>C]GCGGCGGCGGCTCAGGGTCTGGGTGCAGACGGCAACGGCCCTGCGCGAGGAAGGGGGAGT-3'

ClinVar aggregate classification (germline): Benign/Likely benign. Review status: criteria provided, multiple submitters, no conflicts (2 of 4 stars). 6 submissions from 6 submitters: Benign (1); Likely benign (4). 1 of the submissions does not count toward it. Last evaluated 2024-09-18.

Conditions:
GATA2-related disorder. Also called: GATA2-related condition; GATA2-Related Disorders.
Inborn genetic diseases. Identifiers: MedGen C0950123, MeSH D030342.

Allele frequency attached by ClinVar (database versions not stated): 1000 Genomes Project 30x 0.00078; 1000 Genomes Project 0.00080; ESP Exome Variant Server 0.00213; gnomAD 0.00235 and 0.00260; TOPMed 0.00269.
gnomAD v4.1: 720 of 1,554,656 alleles (0.046%); highest among the groups gnomAD compares: African/African-American, 0.88%; 4 homozygotes.

Submissions (6):

Blueprint Genetics
Classification: Likely benign. Last evaluated: 2024-09-18. Review status: criteria provided, single submitter. Criteria: ACMG Guidelines, 2015. Collection method: clinical testing. Allele origin: germline.

Ambry Genetics
Classification: Benign for Inborn genetic diseases. Last evaluated: 2024-03-20. Review status: criteria provided, single submitter. Criteria: Ambry Variant Classification Scheme 2023. Collection method: clinical testing. Allele origin: germline.

GeneDx
Classification: Likely benign. Last evaluated: 2021-03-28. Review status: criteria provided, single submitter. Criteria: GeneDx Variant Classification Process June 2021. Collection method: clinical testing. Allele origin: germline. Affected: yes.

Genetic Services Laboratory, University of Chicago
Classification: Likely benign. Last evaluated: 2016-09-29. Review status: criteria provided, single submitter. Criteria: ACMG Guidelines, 2015. Collection method: clinical testing. Allele origin: germline. Affected: no.

Breakthrough Genomics
Classification: Likely benign. Review status: criteria provided, single submitter. Criteria: ACMG Guidelines, 2015. Collection method: not provided. Allele origin: germline. Inheritance: Autosomal dominant inheritance. Affected: yes.

PreventionGenetics, part of Exact Sciences
Classification: Benign for GATA2-related condition. Last evaluated: 2023-06-13. Review status: no assertion criteria provided. Collection method: clinical testing. Allele origin: germline. Not counted in ClinVar's aggregate classification.
Comment: This variant is classified as benign based on ACMG/AMP sequence variant interpretation guidelines (Richards et al. 2015 PMID: 25741868, with internal and published modifications).